The following is an entry in ClinVar:

ClinVar aggregate classification (germline): Uncertain significance (1 of 4 stars; one submission).

Allele frequency attached by ClinVar (database versions not stated): gnomAD exomes below 0.00001.
gnomAD v4.1: 2 of 1,613,974 alleles (0.00012%); highest among the groups gnomAD compares: Non-Finnish European, 0.00017%; no homozygotes.

Submission:

Labcorp Genetics (formerly Invitae), Labcorp
Classification: Uncertain significance. Last evaluated: 2019-04-18. Review status: criteria provided, single submitter. Criteria: Invitae Variant Classification Sherloc (09022015). Collection method: clinical testing. Allele origin: germline.
Comment: This sequence change replaces proline with leucine at codon 666 of the SCN3A protein (p.Pro666Leu). The proline residue is highly conserved and there is a moderate physicochemical difference between proline and leucine. This variant is not present in population databases (ExAC no frequency). This variant has not been reported in the literature in individuals with SCN3A-related conditions. Algorithms developed to predict the effect of missense changes on protein structure and function are either unavailable or do not agree on the potential impact of this missense change (SIFT: "Deleterious"; PolyPhen-2: "Probably Damaging"; Align-GVGD: "Class C0"). In summary, the available evidence is currently insufficient to determine the role of this variant in disease. Therefore, it has been classified as a Variant of Uncertain Significance.

NM_006922.4(SCN3A):c.1997C>T (p.Pro666Leu)

Gene: SCN3A (sodium voltage-gated channel alpha subunit 3; minus strand). Cytogenetic location: 2q24.3.
Variant type: single nucleotide variant.
Coding change: c.1997C>T on transcript NM_006922.4 (MANE Select); coding-DNA position 1997, C replaced by T.
Protein change: p.Pro666Leu; replaces proline 666 with leucine.
Molecular consequence: missense variant. On other transcripts: intron variant (2).
Genome position (GRCh38, 1-based): chr2:165,140,673, G>A on the plus strand (C>T on the coding strand, the complement: SCN3A is on the minus strand). VCF-style: chr2-165140673-G-A. GRCh37 (hg19) VCF-style: chr2-165997183-G-A.
Other names: c.1872+125C>T (NM_001081676.2, NM_001081677.2); short protein forms P666L.
Identifiers: ClinVar variation 859702 (VCV000859702.1), dbSNP rs1171357837, ClinGen allele CA349046134.